The following is an entry in ClinVar:

NM_000890.5(KCNJ5):c.73A>T (p.Ile25Phe)

Gene: KCNJ5 (potassium inwardly rectifying channel subfamily J member 5; plus strand). Cytogenetic location: 11q24.3.
Variant type: single nucleotide variant.
Coding change: c.73A>T on transcript NM_000890.5 (MANE Select); coding-DNA position 73, A replaced by T.
Protein change: p.Ile25Phe; replaces isoleucine 25 with phenylalanine.
Molecular consequence: missense variant.
Genome position (GRCh38, 1-based): chr11:128,911,346, A>T. VCF-style: chr11-128911346-A-T. GRCh37 (hg19) VCF-style: chr11-128781241-A-T.
Other names: c.73A>T, p.Ile25Phe (NM_001354169.2); short protein forms I25F.
Identifiers: ClinVar variation 1426448 (VCV001426448.8), dbSNP rs2135998470, ClinGen allele CA383245608.

ClinVar aggregate classification (germline): Uncertain significance (1 of 4 stars; one submission).

Conditions:
Long QT syndrome (LQTS). Identifiers: MedGen C0023976, MeSH D008133, MONDO:0002442. Disease mechanism: loss of function. Inheritance: Various modes of inheritance.

Submission:

Labcorp Genetics (formerly Invitae), Labcorp
Classification: Uncertain significance for Long QT syndrome. Last evaluated: 2021-07-08. Review status: criteria provided, single submitter. Criteria: Invitae Variant Classification Sherloc (09022015). Collection method: clinical testing. Allele origin: germline.
Comment: This sequence change replaces isoleucine with phenylalanine at codon 25 of the KCNJ5 protein (p.Ile25Phe). The isoleucine residue is moderately conserved and there is a small physicochemical difference between isoleucine and phenylalanine. This variant is not present in population databases (ExAC no frequency). This variant has not been reported in the literature in individuals affected with KCNJ5-related conditions. Advanced modeling of protein sequence and biophysical properties (such as structural, functional, and spatial information, amino acid conservation, physicochemical variation, residue mobility, and thermodynamic stability) performed at Invitae indicates that this missense variant is not expected to disrupt KCNJ5 protein function. In summary, the available evidence is currently insufficient to determine the role of this variant in disease. Therefore, it has been classified as a Variant of Uncertain Significance.